The following is an entry in ClinVar:

NM_001082486.2(ACD):c.340G>A (p.Ala114Thr)

Gene: ACD (ACD shelterin complex subunit and telomerase recruitment factor; minus strand). Cytogenetic location: 16q22.1.
Variant type: single nucleotide variant.
Coding change: c.340G>A on transcript NM_001082486.2 (MANE Select); coding-DNA position 340, G replaced by A.
Protein change: p.Ala114Thr; replaces alanine 114 with threonine.
Molecular consequence: missense variant.
Genome position (GRCh38, 1-based): chr16:67,659,610, C>T on the plus strand (G>A on the coding strand, the complement: ACD is on the minus strand). VCF-style: chr16-67659610-C-T. GRCh37 (hg19) VCF-style: chr16-67693513-C-T.
Other names: c.340G>A, p.Ala114Thr (NM_001410884.1); c.331G>A, p.Ala111Thr (NM_022914.3); short protein forms A114T, A111T.
Identifiers: ClinVar variation 4710271 (VCV004710271.1).

ClinVar aggregate classification (germline): Uncertain significance (1 of 4 stars; one submission).

Conditions:
Dyskeratosis congenita, autosomal dominant 6 (DKCA6). Identifiers: Orphanet 3322, MedGen C4225284, MONDO:0014690, OMIM 616553.

Submission:

Labcorp Genetics (formerly Invitae), Labcorp
Classification: Uncertain significance for Dyskeratosis congenita, autosomal dominant 6. Last evaluated: 2025-08-06. Review status: criteria provided, single submitter. Criteria: Invitae Variant Classification Sherloc (09022015). Collection method: clinical testing. Allele origin: germline.
Comment: This sequence change replaces alanine, which is neutral and non-polar, with threonine, which is neutral and polar, at codon 200 of the ACD protein (p.Ala200Thr). This variant is not present in population databases (gnomAD no frequency). This missense change has been observed in individual(s) with melanoma (PMID: 25505254). Invitae Evidence Modeling of protein sequence and biophysical properties (such as structural, functional, and spatial information, amino acid conservation, physicochemical variation, residue mobility, and thermodynamic stability) indicates that this missense variant is not expected to disrupt ACD protein function with a negative predictive value of 80%. Algorithms developed to predict the effect of sequence changes on RNA splicing suggest that this variant may create or strengthen a splice site. In summary, the available evidence is currently insufficient to determine the role of this variant in disease. Therefore, it has been classified as a Variant of Uncertain Significance.

Literature cited by the submitters: PubMed 25505254.